The following is an entry in ClinVar:

NM_015205.3(ATP11A):c.*52A>G

Gene: ATP11A (ATPase phospholipid transporting 11A; plus strand). Cytogenetic location: 13q34.
Variant type: single nucleotide variant.
Coding change: c.*52A>G on transcript NM_015205.3 (MANE Select); 52 bases downstream of the stop codon, A replaced by G.
Molecular consequence: 3 prime UTR variant. On other transcripts: missense variant (3).
Genome position (GRCh38, 1-based): chr13:112,881,918, A>G. VCF-style: chr13-112881918-A-G. GRCh37 (hg19) VCF-style: chr13-113536232-A-G.
Other names: c.3433A>G, p.Ser1145Gly (NM_001405661.1); c.3370A>G, p.Ser1124Gly (NM_001405662.1); c.*54A>G (NM_001405663.1); c.3430A>G, p.Ser1144Gly (NM_032189.4); short protein forms S1144G, S1145G, S1124G.
Identifiers: ClinVar variation 2214504 (VCV002214504.3), dbSNP rs141738611, ClinGen allele CA7057658.
Genomic context (GRCh38, chr13:112,881,918, plus strand): 5'-CCTCTTGCCTCTCTGCAGAGCCCAGGCTACCAGAGCACCTGTCCCTCGGCCGCCTGGTAC[A>G]GCTCCCACTCTCAGCAGGTGACACTCGCGGCCTGGAAGGAGAAGGTGTCCACGGAGCCCC-3'

ClinVar aggregate classification (germline): Likely benign. Review status: criteria provided, multiple submitters, no conflicts (2 of 4 stars). 2 submissions from 2 submitters: Likely benign (2). Last evaluated 2026-01-20.

Conditions:
ATP11A-related disorder. Also called: ATP11A-related condition.
Inborn genetic diseases. Identifiers: MedGen C0950123, MeSH D030342.

Allele frequency attached by ClinVar (database versions not stated): gnomAD exomes 0.00002; ExAC 0.00005; ESP Exome Variant Server 0.00031; TOPMed 0.00035; gnomAD 0.00041.
gnomAD v4.1: 85 of 1,367,658 alleles (0.0062%); highest among the groups gnomAD compares: African/African-American, 0.12%; no homozygotes.

Submissions (2):

PreventionGenetics, part of Exact Sciences
Classification: Likely benign for ATP11A-related condition. Last evaluated: 2026-01-20. Review status: criteria provided, single submitter. Criteria: ACMG Guidelines, 2015. Collection method: clinical testing. Allele origin: germline.
Comment: This variant is classified as likely benign based on ACMG/AMP sequence variant interpretation guidelines (Richards et al. 2015 PMID: 25741868, with internal and published modifications).

Ambry Genetics
Classification: Likely benign for Inborn genetic diseases. Last evaluated: 2021-12-13. Review status: criteria provided, single submitter. Criteria: Ambry Variant Classification Scheme 2023. Collection method: clinical testing. Allele origin: germline.